The following is an entry in ClinVar:

ClinVar aggregate classification (germline): Likely benign. Review status: criteria provided, multiple submitters, no conflicts (2 of 4 stars). 2 submissions from 2 submitters: Likely benign (2). Last evaluated 2024-07-01.

Allele frequency attached by ClinVar (database versions not stated): gnomAD 0.00001 and 0.00003; gnomAD exomes 0.00004; TOPMed 0.00004; ExAC 0.00007; ESP Exome Variant Server 0.00008.
gnomAD v4.1: 60 of 1,608,856 alleles (0.0037%); highest among the groups gnomAD compares: Middle Eastern, 0.17%; 1 homozygote.

Submissions (2):

CeGaT Center for Human Genetics Tuebingen
Classification: Likely benign. Last evaluated: 2024-07-01. Review status: criteria provided, single submitter. Criteria: CeGaT Center For Human Genetics Tuebingen Variant Classification Criteria Version 2. Collection method: clinical testing. Allele origin: germline. Affected: yes. Observed: 3 variant alleles.
Comment: ATP8A2: BP4, BP7

Labcorp Genetics (formerly Invitae), Labcorp
Classification: Likely benign. Last evaluated: 2024-03-09. Review status: criteria provided, single submitter. Criteria: Invitae Variant Classification Sherloc (09022015). Collection method: clinical testing. Allele origin: germline.

NM_016529.6(ATP8A2):c.2577C>T (p.Tyr859=)

Gene: ATP8A2 (ATPase phospholipid transporting 8A2). Cytogenetic location: 13q12.13.
Variant type: single nucleotide variant.
Coding change: c.2577C>T on transcript NM_016529.6 (MANE Select); coding-DNA position 2577, C replaced by T.
Protein change: p.Tyr859=; no amino-acid change (tyrosine 859 retained).
Molecular consequence: synonymous variant.
Genome position (GRCh38, 1-based): chr13:25,774,857, C>T. VCF-style: chr13-25774857-C-T. GRCh37 (hg19) VCF-style: chr13-26348995-C-T.
Other names: c.2457C>T, p.Tyr819= (NM_001313741.1).
Identifiers: ClinVar variation 1634252 (VCV001634252.32), dbSNP rs373776679, ClinGen allele CA6923383.
Genomic context (GRCh38, chr13:25,774,857, plus strand): 5'-TTTTATTCCTCAATGATGGGCTCTTCTGAGCTTTGTAATTTTCCTTTTTCAGTTTTCCTA[C>T]TTAGAGAAGCTTCTGTTGGTTCATGGAGCCTGGAGCTACAACCGGGTGACCAAGTGCATC-3'
Protein context (NP_057613.4, residues 849-869): NSDYAIAQFS[Tyr859=]LEKLLLVHGA